The following is an entry in ClinVar:

ClinVar aggregate classification (germline): Uncertain significance (1 of 4 stars; one submission).

Submission:

GeneDx
Classification: Uncertain significance. Last evaluated: 2024-07-27. Review status: criteria provided, single submitter. Criteria: GeneDx Variant Classification Process June 2021. Collection method: clinical testing. Allele origin: germline. Affected: yes.
Comment: Not observed at significant frequency in large population cohorts (gnomAD); In silico analysis supports that this missense variant has a deleterious effect on protein structure/function; Has not been previously published as pathogenic or benign to our knowledge

NM_130839.5(UBE3A):c.2504C>T (p.Pro835Leu)

Genes: SNHG14 (small nucleolar RNA host gene 14; plus strand), UBE3A (ubiquitin protein ligase E3A; minus strand). Cytogenetic location: 15q11.2.
Variant type: single nucleotide variant.
Coding change: c.2504C>T on transcript NM_130839.5 (MANE Select); coding-DNA position 2504, C replaced by T.
Protein change: p.Pro835Leu; replaces proline 835 with leucine.
Molecular consequence: missense variant. On other transcripts: non-coding transcript variant (1).
Genome position (GRCh38, 1-based): chr15:25,339,252, G>A on the plus strand (C>T on the coding strand, the complement: UBE3A is on the minus strand). VCF-style: chr15-25339252-G-A. GRCh37 (hg19) VCF-style: chr15-25584399-G-A.
Other names: c.2444C>T, p.Pro815Leu (NM_001354523.2, NM_001354526.1, NM_001354539.2 and 14 more transcripts); c.2504C>T, p.Pro835Leu (NM_001354538.2, NM_001354505.1); c.2513C>T, p.Pro838Leu (NM_000462.5); c.2348C>T, p.Pro783Leu (NM_001354545.2); c.2327C>T, p.Pro776Leu (NM_001354546.2); c.2288C>T, p.Pro763Leu (NM_001354547.2, NM_001354548.2); c.2279C>T, p.Pro760Leu (NM_001354549.2); c.1253C>T, p.Pro418Leu (NM_001354550.2); and 1 more; short protein forms P398L, P418L, P760L, P763L, P776L, P783L, P815L, P835L.
Identifiers: ClinVar variation 3600616 (VCV003600616.1).